The following is an entry in ClinVar:

ClinVar aggregate classification (germline): Benign/Likely benign. Review status: criteria provided, multiple submitters, no conflicts (2 of 4 stars). 2 submissions from 2 submitters: Benign (1); Likely benign (1). Last evaluated 2023-02-01.

Allele frequency attached by ClinVar (database versions not stated): gnomAD exomes 0.00022; ExAC 0.00025; ESP Exome Variant Server 0.00054; gnomAD 0.00075 and 0.00083; TOPMed 0.00091; 1000 Genomes Project 0.00120; 1000 Genomes Project 30x 0.00141.
gnomAD v4.1: 216 of 1,609,006 alleles (0.013%); highest among the groups gnomAD compares: African/African-American, 0.23%; no homozygotes.

Submissions (2):

CeGaT Center for Human Genetics Tuebingen
Classification: Likely benign. Last evaluated: 2023-02-01. Review status: criteria provided, single submitter. Criteria: CeGaT Center For Human Genetics Tuebingen Variant Classification Criteria Version 2. Collection method: clinical testing. Allele origin: germline. Affected: yes. Observed: 1 variant allele.
Comment: CUX1: BP4, BP7

Labcorp Genetics (formerly Invitae), Labcorp
Classification: Benign. Last evaluated: 2018-04-23. Review status: criteria provided, single submitter. Criteria: Invitae Variant Classification Sherloc (09022015). Collection method: clinical testing. Allele origin: germline.

NM_181552.4(CUX1):c.2052G>A (p.Val684=)

Gene: CUX1 (cut like homeobox 1; plus strand). Cytogenetic location: 7q22.1.
Variant type: single nucleotide variant.
Coding change: c.2052G>A on transcript NM_181552.4 (MANE Select); coding-DNA position 2052, G replaced by A.
Protein change: p.Val684=; no amino-acid change (valine 684 retained).
Molecular consequence: synonymous variant. On other transcripts: intron variant (5).
Genome position (GRCh38, 1-based): chr7:102,200,162, G>A. VCF-style: chr7-102200162-G-A. GRCh37 (hg19) VCF-style: chr7-101843442-G-A.
Other names: c.1255+4559G>A (NM_001913.5); c.1249+4559G>A (NM_181500.4); c.1117+4559G>A (NM_001202545.3); c.1207+4559G>A (NM_001202544.3); c.1138+4559G>A (NM_001202546.3); c.2085G>A, p.Val695= (NM_001202543.2).
Identifiers: ClinVar variation 729159 (VCV000729159.31), dbSNP rs145000808, ClinGen allele CA4410959.
Genomic context (GRCh38, chr7:102,200,162, plus strand): 5'-GACTGGCTCTGATGAAGCCATCAAGTCCATCCTAGAGCAAGCCAAGAGGGAGCTCCAAGT[G>A]CAGAAAACTGGTACAGCTTCCATTTCTTCATCCACTGTCTTCAAACTTAATTAAGAGAAT-3'
Protein context (NP_853530.2, residues 674-694): ILEQAKRELQ[Val684=]QKTAEPAQPS